The following is an entry in ClinVar:

NM_001042492.3(NF1):c.2165G>A (p.Gly722Glu)

Gene: NF1 (neurofibromin 1; plus strand). Cytogenetic location: 17q11.2.
Variant type: single nucleotide variant.
Coding change: c.2165G>A on transcript NM_001042492.3 (MANE Select); coding-DNA position 2165, G replaced by A.
Protein change: p.Gly722Glu; replaces glycine 722 with glutamic acid.
Molecular consequence: missense variant.
Genome position (GRCh38, 1-based): chr17:31,226,598, G>A. VCF-style: chr17-31226598-G-A. GRCh37 (hg19) VCF-style: chr17-29553616-G-A.
Other names: c.2165G>A, p.Gly722Glu (NM_000267.4); short protein forms G722E.
Identifiers: ClinVar variation 1439133 (VCV001439133.9), dbSNP rs2151425948, ClinGen allele CA398982402.

ClinVar aggregate classification (germline): Uncertain significance. Review status: criteria provided, multiple submitters, no conflicts (2 of 4 stars). 3 submissions from 3 submitters: Uncertain significance (3). Last evaluated 2025-03-28.

Conditions:
Cardiovascular phenotype. Identifiers: MedGen CN230736.
Hereditary cancer-predisposing syndrome. Also called: Neoplastic Syndromes, Hereditary; Hereditary Cancer Syndrome; Tumor predisposition; Hereditary neoplastic syndrome. Identifiers: Orphanet 140162, MedGen C0027672, MeSH D009386, MONDO:0015356.
Neurofibromatosis, type 1 (NF1). Also called: Peripheral type neurofibromatosis; VON RECKLINGHAUSEN DISEASE; NEUROFIBROMATOSIS, TYPE I, SOMATIC; Neurofibromatosis, type I. Identifiers: Orphanet 636, MedGen C0027831, MONDO:0018975, OMIM 162200. Disease mechanism: loss of function.

Submissions (3):

Quest Diagnostics Nichols Institute San Juan Capistrano
Classification: Uncertain significance. Last evaluated: 2025-03-28. Review status: criteria provided, single submitter. Criteria: Quest Diagnostics criteria. Collection method: clinical testing. Allele origin: unknown.

Ambry Genetics
Classification: Uncertain significance for Cardiovascular phenotype; Hereditary cancer-predisposing syndrome. Last evaluated: 2022-03-29. Review status: criteria provided, single submitter. Criteria: Ambry Variant Classification Scheme 2023. Collection method: clinical testing. Allele origin: germline.
Comment: The p.G722E variant (also known as c.2165G>A), located in coding exon 18 of the NF1 gene, results from a G to A substitution at nucleotide position 2165. The glycine at codon 722 is replaced by glutamic acid, an amino acid with similar properties. This amino acid position is well conserved in available vertebrate species. In addition, this alteration is predicted to be tolerated by in silico analysis. Since supporting evidence is limited at this time, the clinical significance of this alteration remains unclear.

Labcorp Genetics (formerly Invitae), Labcorp
Classification: Uncertain significance for Neurofibromatosis, type 1. Last evaluated: 2021-08-20. Review status: criteria provided, single submitter. Criteria: Invitae Variant Classification Sherloc (09022015). Collection method: clinical testing. Allele origin: germline.
Comment: This variant has not been reported in the literature in individuals affected with NF1-related conditions. This sequence change replaces glycine with glutamic acid at codon 722 of the NF1 protein (p.Gly722Glu). The glycine residue is moderately conserved and there is a moderate physicochemical difference between glycine and glutamic acid. This variant is not present in population databases (ExAC no frequency). Advanced modeling of protein sequence and biophysical properties (such as structural, functional, and spatial information, amino acid conservation, physicochemical variation, residue mobility, and thermodynamic stability) performed at Invitae indicates that this missense variant is not expected to disrupt NF1 protein function. In summary, the available evidence is currently insufficient to determine the role of this variant in disease. Therefore, it has been classified as a Variant of Uncertain Significance.